The following is an entry in ClinVar:

NM_001379110.1(SLC9A6):c.1735G>A (p.Ala579Thr)

Gene: SLC9A6 (solute carrier family 9 member A6; plus strand). Cytogenetic location: Xq26.3.
Variant type: single nucleotide variant.
Coding change: c.1735G>A on transcript NM_001379110.1 (MANE Select); coding-DNA position 1735, G replaced by A.
Protein change: p.Ala579Thr; replaces alanine 579 with threonine.
Molecular consequence: missense variant.
Genome position (GRCh38, 1-based): chrX:136,040,149, G>A. VCF-style: chrX-136040149-G-A. GRCh37 (hg19) VCF-style: chrX-135122308-G-A.
Other names: c.1801G>A, p.Ala601Thr (NM_001042537.2); c.1645G>A, p.Ala549Thr (NM_001177651.2, NM_001400909.1, NM_001400910.1 and 2 more transcripts); c.1549G>A, p.Ala517Thr (NM_001330652.2, NM_001400913.1); c.1705G>A, p.Ala569Thr (NM_006359.3); short protein forms A517T, A549T, A569T, A579T, A601T.
Identifiers: ClinVar variation 2501836 (VCV002501836.4), dbSNP rs782109482, ClinGen allele CA10524858.

ClinVar aggregate classification (germline): Uncertain significance. Review status: criteria provided, multiple submitters, no conflicts (2 of 4 stars). 2 submissions from 2 submitters: Uncertain significance (2). Last evaluated 2023-12-21.

Conditions:
Christianson syndrome (MRXSCH). Also called: X-linked mental retardation, syndromic, Christianson type; INTELLECTUAL DEVELOPMENTAL DISORDER, X-LINKED, SYNDROMIC, CHRISTIANSON TYPE; SLC9A6-Related Syndromic Mental Retardation. Identifiers: Orphanet 85278, MedGen C2678194, MONDO:0010278, OMIM 300243.

Allele frequency attached by ClinVar (database versions not stated): ExAC 0.00001.
gnomAD v4.1: 7 of 1,210,182 alleles (0.00058%); highest among the groups gnomAD compares: Admixed American, 0.0022%; no homozygotes.

Submissions (2):

Labcorp Genetics (formerly Invitae), Labcorp
Classification: Uncertain significance for Christianson syndrome. Last evaluated: 2023-12-21. Review status: criteria provided, single submitter. Criteria: Invitae Variant Classification Sherloc (09022015). Collection method: clinical testing. Allele origin: germline.
Comment: This sequence change replaces alanine, which is neutral and non-polar, with threonine, which is neutral and polar, at codon 569 of the SLC9A6 protein (p.Ala569Thr). The frequency data for this variant in the population databases is considered unreliable, as metrics indicate poor data quality at this position in the gnomAD database. This variant has not been reported in the literature in individuals affected with SLC9A6-related conditions. ClinVar contains an entry for this variant (Variation ID: 2501836). Advanced modeling of protein sequence and biophysical properties (such as structural, functional, and spatial information, amino acid conservation, physicochemical variation, residue mobility, and thermodynamic stability) performed at Invitae indicates that this missense variant is not expected to disrupt SLC9A6 protein function with a negative predictive value of 80%. In summary, the available evidence is currently insufficient to determine the role of this variant in disease. Therefore, it has been classified as a Variant of Uncertain Significance.

GeneDx
Classification: Uncertain significance. Last evaluated: 2022-11-11. Review status: criteria provided, single submitter. Criteria: GeneDx Variant Classification Process June 2021. Collection method: clinical testing. Allele origin: germline. Affected: yes.
Comment: Not observed at significant frequency in large population cohorts (gnomAD); In silico analysis supports that this missense variant has a deleterious effect on protein structure/function; Has not been previously published as pathogenic or benign to our knowledge